The following is an entry in ClinVar:

NM_006648.4(WNK2):c.5053C>A (p.Arg1685Ser)

Gene: WNK2 (WNK lysine deficient protein kinase 2; plus strand). Cytogenetic location: 9q22.31.
Variant type: single nucleotide variant.
Coding change: c.5053C>A on transcript NM_006648.4 (MANE Select); coding-DNA position 5053, C replaced by A.
Protein change: p.Arg1685Ser; replaces arginine 1685 with serine.
Molecular consequence: missense variant.
Genome position (GRCh38, 1-based): chr9:93,292,518, C>A. VCF-style: chr9-93292518-C-A. GRCh37 (hg19) VCF-style: chr9-96054800-C-A.
Other names: c.5164C>A, p.Arg1722Ser (NM_001282394.3); short protein forms R1685S, R1722S.
Identifiers: ClinVar variation 4842141 (VCV004842141.1).

ClinVar aggregate classification (germline): Uncertain significance (1 of 4 stars; one submission).

Submission:

Ambry Genetics
Classification: Uncertain significance. Last evaluated: 2026-01-13. Review status: criteria provided, single submitter. Criteria: Ambry Variant Classification Scheme 2023. Collection method: clinical testing. Allele origin: germline.
Comment: The p.R1685S variant (also known as c.5053C>A), located in coding exon 22 of the WNK2 gene, results from a C to A substitution at nucleotide position 5053. The arginine at codon 1685 is replaced by serine, an amino acid with dissimilar properties. This amino acid position is conserved. In addition, this alteration is predicted to be tolerated by in silico analysis. Based on the available evidence, the clinical significance of this variant remains unclear.